The following is an entry in ClinVar:

ClinVar aggregate classification (germline): Uncertain significance (1 of 4 stars; one submission).

Conditions:
Glycogen storage disease, type II (IOPD). Also called: Pompe Disease; CARDIOMEGALIA GLYCOGENICA DIFFUSA; GLYCOGENOSIS, GENERALIZED, CARDIAC FORM; GSD II; POMPE DISEASE, INFANTILE-ONSET; GLYCOGEN STORAGE DISEASE II, INFANTILE-ONSET. Identifiers: Orphanet 365, MedGen C0017921, MONDO:0009290, OMIM 232300.

Submission:

Genomenon, Inc
Classification: Uncertain significance for Glycogen storage disease, type II. Last evaluated: 2026-07-01. Review status: criteria provided, single submitter. Criteria: Genomenon Sequence Variant Interpretation Standards - Updated. Collection method: curation. Allele origin: germline. Affected: no.
Comment: GAA p.Arg456Met (c.1367G>T) is a missense variant that changes the amino acid at codon 456 from Arginine to Methionine. This variant has been reported in the published literature (PMID:24767253). It is absent or not present at a significant frequency in gnomAD. In silico models predict that this variant is not damaging. In conclusion, we classify GAA p.Arg456Met (c.1367G>T) as a variant of uncertain significance.

Literature cited by the submitters: PubMed 24767253.

NM_000152.5(GAA):c.1367G>T (p.Arg456Met)

Gene: GAA (alpha glucosidase; plus strand). Cytogenetic location: 17q25.3.
Variant type: single nucleotide variant.
Coding change: c.1367G>T on transcript NM_000152.5 (MANE Select); coding-DNA position 1367, G replaced by T.
Protein change: p.Arg456Met; replaces arginine 456 with methionine.
Molecular consequence: missense variant.
Genome position (GRCh38, 1-based): chr17:80,109,985, G>T. VCF-style: chr17-80109985-G-T. GRCh37 (hg19) VCF-style: chr17-78083784-G-T.
Other names: c.1367G>T, p.Arg456Met (NM_001079803.3, NM_001079804.3, NM_001406741.1 and 1 more transcripts); short protein forms R456M.
Identifiers: ClinVar variation 4876671 (VCV004876671.1).